The following is an entry in ClinVar:

NM_032444.4(SLX4):c.1811C>G (p.Ala604Gly)

Gene: SLX4 (SLX4 structure-specific endonuclease subunit; minus strand). Cytogenetic location: 16p13.3.
Variant type: single nucleotide variant.
Coding change: c.1811C>G on transcript NM_032444.4 (MANE Select); coding-DNA position 1811, C replaced by G.
Protein change: p.Ala604Gly; replaces alanine 604 with glycine.
Molecular consequence: missense variant.
Genome position (GRCh38, 1-based): chr16:3,596,266, G>C on the plus strand (C>G on the coding strand, the complement: SLX4 is on the minus strand). VCF-style: chr16-3596266-G-C. GRCh37 (hg19) VCF-style: chr16-3646267-G-C.
Other names: short protein forms A604G.
Identifiers: ClinVar variation 863820 (VCV000863820.9), dbSNP rs953252183, ClinGen allele CA276962345.

ClinVar aggregate classification (germline): Uncertain significance. Review status: criteria provided, multiple submitters, no conflicts (2 of 4 stars). 2 submissions from 2 submitters: Uncertain significance (2). Last evaluated 2024-11-19.

Conditions:
Fanconi anemia complementation group P. Also called: SLX4-Related Fanconi Anemia. Identifiers: Orphanet 84, MedGen C3469542, MONDO:0013499, OMIM 613951.
Fanconi anemia (FA). Also called: Fanconi's anemia. Identifiers: Orphanet 84, MedGen C0015625, MeSH D005199, MONDO:0019391.

Allele frequency attached by ClinVar (database versions not stated): gnomAD exomes 0.00001; TOPMed 0.00001.
gnomAD v4.1: 6 of 1,562,630 alleles (0.00038%); highest among the groups gnomAD compares: Non-Finnish European, 0.00026%; no homozygotes.

Submissions (2):

Labcorp Genetics (formerly Invitae), Labcorp
Classification: Uncertain significance for Fanconi anemia. Last evaluated: 2024-11-19. Review status: criteria provided, single submitter. Criteria: Invitae Variant Classification Sherloc (09022015). Collection method: clinical testing. Allele origin: germline.
Comment: This sequence change replaces alanine, which is neutral and non-polar, with glycine, which is neutral and non-polar, at codon 604 of the SLX4 protein (p.Ala604Gly). This variant is not present in population databases (gnomAD no frequency). This variant has not been reported in the literature in individuals affected with SLX4-related conditions. ClinVar contains an entry for this variant (Variation ID: 863820). An algorithm developed to predict the effect of missense changes on protein structure and function (PolyPhen-2) suggests that this variant is likely to be disruptive. In summary, the available evidence is currently insufficient to determine the role of this variant in disease. Therefore, it has been classified as a Variant of Uncertain Significance.

Fulgent Genetics
Classification: Uncertain significance for Fanconi anemia complementation group P. Last evaluated: 2021-08-02. Review status: criteria provided, single submitter. Criteria: ACMG Guidelines, 2015. Collection method: clinical testing. Allele origin: unknown.